The following is an entry in ClinVar:

NM_000553.6(WRN):c.3138+4A>G

Gene: WRN (WRN RecQ like helicase; plus strand). Cytogenetic location: 8p12.
Variant type: single nucleotide variant.
Coding change: c.3138+4A>G on transcript NM_000553.6 (MANE Select); 4 bases into the intron after coding-DNA position 3138, A replaced by G.
Molecular consequence: intron variant.
Genome position (GRCh38, 1-based): chr8:31,141,604, A>G. VCF-style: chr8-31141604-A-G. GRCh37 (hg19) VCF-style: chr8-30999120-A-G.
Identifiers: ClinVar variation 1020880 (VCV001020880.5), dbSNP rs1802637517, ClinGen allele CA2499219265.

ClinVar aggregate classification (germline): Uncertain significance (1 of 4 stars; one submission).

Conditions:
Werner syndrome (WRN). Identifiers: Orphanet 902, MedGen C0043119, MONDO:0010196, OMIM 277700.

Submission:

Labcorp Genetics (formerly Invitae), Labcorp
Classification: Uncertain significance for Werner syndrome. Last evaluated: 2024-04-10. Review status: criteria provided, single submitter. Criteria: Invitae Variant Classification Sherloc (09022015). Collection method: clinical testing. Allele origin: germline.
Comment: This sequence change falls in intron 25 of the WRN gene. It does not directly change the encoded amino acid sequence of the WRN protein. It affects a nucleotide within the consensus splice site. This variant is not present in population databases (gnomAD no frequency). This variant has not been reported in the literature in individuals affected with WRN-related conditions. ClinVar contains an entry for this variant (Variation ID: 1020880). Variants that disrupt the consensus splice site are a relatively common cause of aberrant splicing (PMID: 17576681, 9536098). Algorithms developed to predict the effect of sequence changes on RNA splicing suggest that this variant is not likely to affect RNA splicing. In summary, the available evidence is currently insufficient to determine the role of this variant in disease. Therefore, it has been classified as a Variant of Uncertain Significance.

Literature cited by the submitters: PubMed 17576681; PubMed 9536098.